The following is an entry in ClinVar:

ClinVar aggregate classification (germline): Pathogenic (1 of 4 stars; one submission).

Conditions:
Familial thoracic aortic aneurysm and aortic dissection (TAAD). Also called: Thoracic aortic aneurysms and dissections. Identifiers: Orphanet 91387, MedGen C4707243, MONDO:0019625.
Marfan syndrome (MFS). Also called: Marfan syndrome type 1; Marfan's syndrome; Marfan syndrome, classic; MARFAN SYNDROME, TYPE I; FBN1-Related Marfan Syndrome. Identifiers: Orphanet 284963, Orphanet 558, MedGen C0024796, MONDO:0007947, OMIM 154700.

Submission:

Labcorp Genetics (formerly Invitae), Labcorp
Classification: Pathogenic for Marfan syndrome; Familial thoracic aortic aneurysm and aortic dissection. Last evaluated: 2020-07-14. Review status: criteria provided, single submitter. Criteria: Invitae Variant Classification Sherloc (09022015). Collection method: clinical testing. Allele origin: germline.
Comment: For these reasons, this variant has been classified as Pathogenic. Loss-of-function variants in FBN1 are known to be pathogenic (PMID: 17657824, 19293843). This variant has not been reported in the literature in individuals with FBN1-related conditions. This variant is not present in population databases (ExAC no frequency). This sequence change creates a premature translational stop signal (p.Cys1470*) in the FBN1 gene. It is expected to result in an absent or disrupted protein product.

Literature cited by the submitters: PubMed 17657824; PubMed 19293843.

NM_000138.5(FBN1):c.4410_4411del (p.Cys1470_Glu1471delinsTer)

Gene: FBN1 (fibrillin 1; minus strand). Cytogenetic location: 15q21.1.
Variant type: Microsatellite.
Coding change: c.4410_4411del on transcript NM_000138.5 (MANE Select); coding-DNA positions 4410 to 4411, 2 bases deleted (TG; older notation c.4410_4411delTG).
Protein change: p.Cys1470_Glu1471delinsTer.
Molecular consequence: nonsense.
Genome position (GRCh38, 1-based): chr15:48,470,682-48,470,683, CA deleted on the plus strand (TG on the coding strand, the reverse complement: FBN1 is on the minus strand); deleting any 2 consecutive bases within chr15:48,470,682-48,470,685 gives the same sequence; the c. name uses the placement nearest the transcript's 3' end. VCF-style (leftmost placement, unchanged base first): chr15-48470681-TCA-T. GRCh37 (hg19) VCF-style: chr15-48762878-TCA-T.
Identifiers: ClinVar variation 1073723 (VCV001073723.7), dbSNP rs2141275703, ClinGen allele CA2580613812.